The following is an entry in ClinVar:

ClinVar aggregate classification (germline): Pathogenic (1 of 4 stars; one submission).

Submission:

Dasa
Classification: Pathogenic. Last evaluated: 2025-10-06. Review status: criteria provided, single submitter. Criteria: DASA Assertion Criteria. Collection method: clinical testing. Allele origin: germline.
Comment: NM_002615.7(SERPINF1):c.1047dup (p.Pro350Thrfs*14) introduces a premature termination codon predicted to result in loss of normal protein function. Loss-of-function is an established mechanism of disease for this gene. Based on the available data, this variant is classified as pathogenic.

NM_002615.7(SERPINF1):c.1047dup (p.Pro350fs)

Gene: SERPINF1 (serpin family F member 1; plus strand). Cytogenetic location: 17p13.3.
Variant type: Duplication.
Coding change: c.1047dup on transcript NM_002615.7 (MANE Select); coding-DNA position 1047, one base duplicated (A; older notation c.1047dupA).
Protein change: p.Pro350fs; shifts the reading frame from proline 350.
Molecular consequence: frameshift variant.
Genome position (GRCh38, 1-based): chr17:1,777,236, A duplicated; the last of 3 consecutive A bases (chr17:1,777,234-1,777,236); duplicating any one gives the same sequence. VCF-style (leftmost placement, unchanged base first): chr17-1777233-C-CA. GRCh37 (hg19) VCF-style: chr17-1680527-C-CA.
Other names: c.1047dup, p.Pro350fs (NM_001329903.2); c.486dup, p.Pro163fs (NM_001329904.2, NM_001329905.2); short protein forms P163fs, P350fs.
Identifiers: ClinVar variation 4852001 (VCV004852001.1).
Genomic context (GRCh38, chr17:1,777,233, plus strand): 5'-CTCCATCTCTACAGAGCTGCAATCCTTGTTTGATTCACCAGACTTTAGCAAGATCACAGG[C>CA]AAACCCATCAAGCTGACTCAGGTGGAACACCGGGCTGGCTTTGAGTGGAACGAGGATGGG-3'